The following is an entry in ClinVar:

NM_138817.3(SLC7A13):c.3G>C (p.Met1Ile)

Gene: SLC7A13 (solute carrier family 7 member 13; minus strand). Cytogenetic location: 8q21.3.
Variant type: single nucleotide variant.
Coding change: c.3G>C on transcript NM_138817.3 (MANE Select); coding-DNA position 3, G replaced by C.
Protein change: p.Met1Ile; changes the start codon (methionine 1).
Molecular consequence: missense variant, initiator codon variant.
Genome position (GRCh38, 1-based): chr8:86,230,275, C>G on the plus strand (G>C on the coding strand, the complement: SLC7A13 is on the minus strand). VCF-style: chr8-86230275-C-G. GRCh37 (hg19) VCF-style: chr8-87242504-C-G.
Other names: short protein forms M1I.
Identifiers: ClinVar variation 2870061 (VCV002870061.3), dbSNP rs770092714, ClinGen allele CA371437158.

ClinVar aggregate classification (germline): Uncertain significance (1 of 4 stars; one submission).

Submission:

Labcorp Genetics (formerly Invitae), Labcorp
Classification: Uncertain significance. Last evaluated: 2022-12-28. Review status: criteria provided, single submitter. Criteria: Invitae Variant Classification Sherloc (09022015). Collection method: clinical testing. Allele origin: germline.
Comment: This sequence change affects the initiator methionine of the SLC7A13 mRNA. The next in-frame methionine is located at codon 44. In summary, the available evidence is currently insufficient to determine the role of this variant in disease. Therefore, it has been classified as a Variant of Uncertain Significance. Experimental studies and prediction algorithms are not available or were not evaluated, and the functional significance of this variant is currently unknown. This variant has not been reported in the literature in individuals affected with SLC7A13-related conditions. This variant is not present in population databases (gnomAD no frequency).